The following is an entry in ClinVar:

NM_006648.4(WNK2):c.6344A>G (p.Asn2115Ser)

Gene: WNK2 (WNK lysine deficient protein kinase 2; plus strand). Cytogenetic location: 9q22.31.
Variant type: single nucleotide variant.
Coding change: c.6344A>G on transcript NM_006648.4 (MANE Select); coding-DNA position 6344, A replaced by G.
Protein change: p.Asn2115Ser; replaces asparagine 2115 with serine.
Molecular consequence: missense variant.
Genome position (GRCh38, 1-based): chr9:93,308,412, A>G. VCF-style: chr9-93308412-A-G. GRCh37 (hg19) VCF-style: chr9-96070694-A-G.
Other names: c.6455A>G, p.Asn2152Ser (NM_001282394.3); short protein forms N2115S, N2152S.
Identifiers: ClinVar variation 3817130 (VCV003817130.1).

ClinVar aggregate classification (germline): Uncertain significance (1 of 4 stars; one submission).

gnomAD v4.1: 2 of 1,600,220 alleles (0.00012%); highest among the groups gnomAD compares: Non-Finnish European, 0.00017%; no homozygotes.

Submission:

Ambry Genetics
Classification: Uncertain significance. Last evaluated: 2025-02-22. Review status: criteria provided, single submitter. Criteria: Ambry Variant Classification Scheme 2023. Collection method: clinical testing. Allele origin: germline.
Comment: The p.N2115S variant (also known as c.6344A>G), located in coding exon 27 of the WNK2 gene, results from an A to G substitution at nucleotide position 6344. The asparagine at codon 2115 is replaced by serine, an amino acid with highly similar properties. This amino acid position is conserved. In addition, this alteration is predicted to be tolerated by in silico analysis. Based on the available evidence, the clinical significance of this variant remains unclear.